The following is an entry in ClinVar:

NM_024529.5(CDC73):c.144del (p.Gly49fs)

Gene: CDC73 (cell division cycle 73; plus strand). Cytogenetic location: 1q31.2.
Variant type: Deletion.
Coding change: c.144del on transcript NM_024529.5 (MANE Select); coding-DNA position 144, one base deleted (A; older notation c.144delA).
Protein change: p.Gly49fs; shifts the reading frame from glycine 49.
Molecular consequence: frameshift variant.
Genome position (GRCh38, 1-based): chr1:193,125,124, A deleted; the last of 2 consecutive A bases (chr1:193,125,123-193,125,124); deleting either gives the same sequence. VCF-style (leftmost placement, unchanged base first): chr1-193125122-GA-G. GRCh37 (hg19) VCF-style: chr1-193094252-GA-G.
Other names: short protein forms G49fs.
Identifiers: ClinVar variation 4719559 (VCV004719559.1).
Genomic context (GRCh38, chr1:193,125,122, plus strand): 5'-GAGTTGAATTAGAATTGTCAGTAAAAAAAATCTTGCCTTAATTATTTCAGGACTGGAAAG[GA>G]AGGCCAACCCAGAGAGTACTACACATTGGATTCCATTTTATTTCTACTTAATAACGTGCA-3'

ClinVar aggregate classification (germline): Pathogenic (1 of 4 stars; one submission).

Conditions:
Parathyroid carcinoma (PRTC). Also called: CDC73-Related Parathyroid Carcinoma; Parathyroid gland carcinoma. Identifiers: Orphanet 143, MedGen C0687150, MONDO:0012004, OMIM 608266, HP:0006780.

Submission:

Labcorp Genetics (formerly Invitae), Labcorp
Classification: Pathogenic for Parathyroid carcinoma. Last evaluated: 2025-12-04. Review status: criteria provided, single submitter. Criteria: Invitae Variant Classification Sherloc (09022015). Collection method: clinical testing. Allele origin: germline.
Comment: This sequence change creates a premature translational stop signal (p.Gly49Alafs*60) in the CDC73 gene. It is expected to result in an absent or disrupted protein product. Loss-of-function variants in CDC73 are known to be pathogenic (PMID: 12434154). This variant is not present in population databases (gnomAD no frequency). This variant has not been reported in the literature in individuals affected with CDC73-related conditions. For these reasons, this variant has been classified as Pathogenic.

Literature cited by the submitters: PubMed 12434154.